The following is an entry in ClinVar:

ClinVar aggregate classification (germline): Uncertain significance. Review status: criteria provided, multiple submitters, no conflicts (2 of 4 stars). 2 submissions from 2 submitters: Uncertain significance (2). Last evaluated 2024-05-21.

gnomAD v4.1: 3 of 1,614,004 alleles (0.00019%); highest among the groups gnomAD compares: East Asian, 0.0067%; no homozygotes.

Submissions (2):

GeneDx
Classification: Uncertain significance. Last evaluated: 2024-05-21. Review status: criteria provided, single submitter. Criteria: GeneDx Variant Classification Process June 2021. Collection method: clinical testing. Allele origin: germline. Affected: yes.
Comment: In silico analysis supports that this missense variant has a deleterious effect on protein structure/function; Has not been previously published as pathogenic or benign to our knowledge

Blueprint Genetics
Classification: Uncertain significance. Last evaluated: 2021-12-16. Review status: criteria provided, single submitter. Criteria: ACMG Guidelines, 2015. Collection method: clinical testing. Allele origin: germline.

NM_022124.6(CDH23):c.1468G>T (p.Gly490Cys)

Gene: CDH23 (cadherin related 23; plus strand). Cytogenetic location: 10q22.1.
Variant type: single nucleotide variant.
Coding change: c.1468G>T on transcript NM_022124.6 (MANE Select); coding-DNA position 1468, G replaced by T.
Protein change: p.Gly490Cys; replaces glycine 490 with cysteine.
Molecular consequence: missense variant.
Genome position (GRCh38, 1-based): chr10:71,675,130, G>T. VCF-style: chr10-71675130-G-T. GRCh37 (hg19) VCF-style: chr10-73434887-G-T.
Other names: c.1468G>T, p.Gly490Cys (NM_001171930.2, NM_001171931.2); short protein forms G490C.
Identifiers: ClinVar variation 3381590 (VCV003381590.2).